The following is an entry in ClinVar:

ClinVar aggregate classification (germline): Uncertain significance (1 of 4 stars; one submission).

Conditions:
Cardiovascular phenotype. Identifiers: MedGen CN230736.

Submission:

Ambry Genetics
Classification: Uncertain significance for Cardiovascular phenotype. Last evaluated: 2026-05-26. Review status: criteria provided, single submitter. Criteria: Ambry Variant Classification Scheme 2023. Collection method: clinical testing. Allele origin: germline.
Comment: The p.D275Y variant (also known as c.823G>T), located in coding exon 5 of the CBL gene, results from a G to T substitution at nucleotide position 823. The aspartic acid at codon 275 is replaced by tyrosine, an amino acid with highly dissimilar properties. This amino acid position is conserved. In addition, this alteration is predicted to be deleterious by in silico analysis. Based on the available evidence, the clinical significance of this variant remains unclear.

NM_005188.4(CBL):c.823G>T (p.Asp275Tyr)

Gene: CBL (Cbl proto-oncogene; plus strand). Cytogenetic location: 11q23.3.
Variant type: single nucleotide variant.
Coding change: c.823G>T on transcript NM_005188.4 (MANE Select); coding-DNA position 823, G replaced by T.
Protein change: p.Asp275Tyr; replaces aspartic acid 275 with tyrosine.
Molecular consequence: missense variant.
Genome position (GRCh38, 1-based): chr11:119,274,907, G>T. VCF-style: chr11-119274907-G-T. GRCh37 (hg19) VCF-style: chr11-119145617-G-T.
Other names: short protein forms D275Y.
Identifiers: ClinVar variation 4868270 (VCV004868270.1).
Genomic context (GRCh38, chr11:119,274,907, plus strand): 5'-CTCAGGAATTGGAACAGCCTTGCTGTAACTCATCCTGGCTACATGGCTTTTTTGACGTAT[G>T]ACGAAGTGAAAGCTCGGCTCCAGAAATTCATTCACAAACCTGGCAGGTCAGTTCAATGAC-3'
Protein context (NP_005179.2, residues 265-285): HPGYMAFLTY[Asp275Tyr]EVKARLQKFI